The following is an entry in ClinVar:

NM_000535.7(PMS2):c.1352G>A (p.Arg451Lys)

Gene: PMS2 (PMS1 homolog 2, mismatch repair system component; minus strand). Cytogenetic location: 7p22.1.
Variant type: single nucleotide variant.
Coding change: c.1352G>A on transcript NM_000535.7 (MANE Select); coding-DNA position 1352, G replaced by A.
Protein change: p.Arg451Lys; replaces arginine 451 with lysine.
Molecular consequence: missense variant. On other transcripts: non-coding transcript variant (1).
Genome position (GRCh38, 1-based): chr7:5,987,413, C>T on the plus strand (G>A on the coding strand, the complement: PMS2 is on the minus strand). VCF-style: chr7-5987413-C-T. GRCh37 (hg19) VCF-style: chr7-6027044-C-T.
Other names: c.947G>A, p.Arg316Lys (NM_001322003.2, NM_001322004.2, NM_001322005.2 and 1 more transcripts); c.1196G>A, p.Arg399Lys (NM_001322006.2); c.1034G>A, p.Arg345Lys (NM_001322007.2, NM_001322008.2); c.791G>A, p.Arg264Lys (NM_001322010.2); c.419G>A, p.Arg140Lys (NM_001322011.2, NM_001322012.2); c.779G>A, p.Arg260Lys (NM_001322013.2); c.1352G>A, p.Arg451Lys (NM_001322014.2); c.1043G>A, p.Arg348Lys (NM_001322015.2); short protein forms R451K, R345K, R316K, R140K, R260K, R264K, R348K, R399K.
Identifiers: ClinVar variation 234077 (VCV000234077.16), dbSNP rs876660834, ClinGen allele CA10578679.

ClinVar aggregate classification (germline): Conflicting classifications of pathogenicity. Review status: criteria provided, conflicting classifications (1 of 4 stars). 3 submissions from 3 submitters: Uncertain significance (2); Likely benign (1). Last evaluated 2025-03-25.

Conditions:
Lynch syndrome 4 (LYNCH4). Also called: Colorectal cancer, hereditary nonpolyposis, type 4; Hereditary non-polyposis colorectal cancer, type 4. Identifiers: Orphanet 144, MedGen C1838333, MONDO:0013699, OMIM 614337. Disease mechanism: loss of function.
Hereditary cancer-predisposing syndrome. Also called: Neoplastic Syndromes, Hereditary; Tumor predisposition; Hereditary Cancer Syndrome; Hereditary neoplastic syndrome. Identifiers: Orphanet 140162, MedGen C0027672, MeSH D009386, MONDO:0015356.
Hereditary nonpolyposis colorectal neoplasms. Identifiers: MedGen C0009405, MeSH D003123.

Allele frequency attached by ClinVar (database versions not stated): gnomAD exomes below 0.00001; TOPMed below 0.00001; gnomAD 0.00001.
gnomAD v4.1: 10 of 1,614,036 alleles (0.00062%); highest among the groups gnomAD compares: South Asian, 0.0077%; no homozygotes.

Submissions (3):

Labcorp Genetics (formerly Invitae), Labcorp
Classification: Uncertain significance for Hereditary nonpolyposis colorectal neoplasms. Last evaluated: 2025-03-25. Review status: criteria provided, single submitter. Criteria: Invitae Variant Classification Sherloc (09022015). Collection method: clinical testing. Allele origin: germline.
Comment: This sequence change replaces arginine, which is basic and polar, with lysine, which is basic and polar, at codon 451 of the PMS2 protein (p.Arg451Lys). This variant is present in population databases (no rsID available, gnomAD 0.003%). This variant has not been reported in the literature in individuals affected with PMS2-related conditions. ClinVar contains an entry for this variant (Variation ID: 234077). Invitae Evidence Modeling incorporating data from in vitro experimental studies (internal data) indicates that this missense variant is not expected to disrupt PMS2 function with a negative predictive value of 95%. In summary, the available evidence is currently insufficient to determine the role of this variant in disease. Therefore, it has been classified as a Variant of Uncertain Significance.

Ambry Genetics
Classification: Uncertain significance for Hereditary cancer-predisposing syndrome. Last evaluated: 2023-12-07. Review status: criteria provided, single submitter. Criteria: Ambry Variant Classification Scheme 2023. Collection method: clinical testing. Allele origin: germline.
Comment: The p.R451K variant (also known as c.1352G>A), located in coding exon 11 of the PMS2 gene, results from a G to A substitution at nucleotide position 1352. The arginine at codon 451 is replaced by lysine, an amino acid with highly similar properties. This amino acid position is not well conserved in available vertebrate species. In addition, this alteration is predicted to be tolerated by in silico analysis. Since supporting evidence is limited at this time, the clinical significance of this alteration remains unclear.

Mendelics
Classification: Likely benign for Lynch syndrome 4. Last evaluated: 2019-05-28. Review status: criteria provided, single submitter. Criteria: Mendelics Assertion Criteria 2017. Collection method: clinical testing. Allele origin: unknown.